The following is an entry in ClinVar:

NM_015559.3(SETBP1):c.4592_4593insCCC (p.Pro1537dup)

Gene: SETBP1 (SET binding protein 1; plus strand). Cytogenetic location: 18q12.3.
Variant type: Insertion.
Coding change: c.4592_4593insCCC on transcript NM_015559.3 (MANE Select); coding-DNA positions 4592 to 4593, CCC inserted.
Protein change: p.Pro1537dup; duplicates proline 1537.
Molecular consequence: inframe insertion.
Genome position: GRCh38 VCF-style: chr18-45063497-G-GCCC. GRCh37 (hg19) VCF-style: chr18-42643462-G-GCCC.
Other names: c.4592_4593insCCC, p.Pro1537dup (NM_001379141.1, NM_001379142.1).
Identifiers: ClinVar variation 1417930 (VCV001417930.8), dbSNP rs2145594993, ClinGen allele CA2573155333.

ClinVar aggregate classification (germline): Uncertain significance (1 of 4 stars; one submission).

Submission:

Labcorp Genetics (formerly Invitae), Labcorp
Classification: Uncertain significance. Last evaluated: 2022-10-17. Review status: criteria provided, single submitter. Criteria: Invitae Variant Classification Sherloc (09022015). Collection method: clinical testing. Allele origin: germline.
Comment: This variant, c.4592_4593insCCC, results in the insertion of 1 amino acid(s) of the SETBP1 protein (p.Pro1537dup), but otherwise preserves the integrity of the reading frame. This variant is not present in population databases (gnomAD no frequency). This variant has not been reported in the literature in individuals affected with SETBP1-related conditions. ClinVar contains an entry for this variant (Variation ID: 1417930). Experimental studies and prediction algorithms are not available or were not evaluated, and the functional significance of this variant is currently unknown. In summary, the available evidence is currently insufficient to determine the role of this variant in disease. Therefore, it has been classified as a Variant of Uncertain Significance.